The following is an entry in ClinVar:

ClinVar aggregate classification (germline): Benign. Review status: criteria provided, single submitter (1 of 4 stars). 2 submissions from 1 submitter: Benign (2). Last evaluated 2018-01-12.

Conditions:
Waardenburg syndrome type 2A (WS2A). Also called: WAARDENBURG SYNDROME WITHOUT DYSTOPIA CANTHORUM. Identifiers: Orphanet 3440, MedGen C1860339, MONDO:0008671, OMIM 193510.
Tietz syndrome (TADS). Also called: ALBINISM-DEAFNESS OF TIETZ; HYPOPIGMENTATION/DEAFNESS OF TIETZ; TIETZ ALBINISM-DEAFNESS SYNDROME. Identifiers: Orphanet 42665, MedGen C0391816, MONDO:0007077, OMIM 103500.

Allele frequency attached by ClinVar (database versions not stated): gnomAD 0.00002 and 0.00013; TOPMed 0.00006; gnomAD exomes 0.00016; 1000 Genomes Project 0.00140; 1000 Genomes Project 30x 0.00141.
gnomAD v4.1: 36 of 246,806 alleles (0.015%); highest among the groups gnomAD compares: South Asian, 0.29%; 1 homozygote.

Submissions (2):

Illumina Laboratory Services, Illumina
Classification: Benign for Tietz syndrome. Last evaluated: 2018-01-12. Review status: criteria provided, single submitter. Criteria: ICSL Variant Classification Criteria 13 December 2019. Collection method: clinical testing. Allele origin: germline.
Comment: This variant was observed in the ICSL laboratory as part of a predisposition screen in an ostensibly healthy population. It had not been previously curated by ICSL or reported in the Human Gene Mutation Database (HGMD: prior to June 1st, 2018), and was therefore a candidate for classification through an automated scoring system. Utilizing variant allele frequency, disease prevalence and penetrance estimates, and inheritance mode, an automated score was calculated to assess if this variant is too frequent to cause the disease. Based on the score and internal cut-off values, a variant classified as benign is not then subjected to further curation. The score for this variant resulted in a classification of benign for this disease.

Illumina Laboratory Services, Illumina
Classification: Benign for Waardenburg syndrome type 2A. Last evaluated: 2018-01-12. Review status: criteria provided, single submitter. Criteria: ICSL Variant Classification Criteria 13 December 2019. Collection method: clinical testing. Allele origin: germline.
Comment: the same text as in the submission from Illumina Laboratory Services, Illumina above.

NM_001354604.2(MITF):c.*447C>A

Gene: MITF (melanocyte inducing transcription factor; plus strand). Cytogenetic location: 3p13.
Variant type: single nucleotide variant.
Coding change: c.*447C>A on transcript NM_001354604.2 (MANE Select); 447 bases downstream of the stop codon, C replaced by A.
Molecular consequence: 3 prime UTR variant.
Genome position (GRCh38, 1-based): chr3:69,965,695, C>A. VCF-style: chr3-69965695-C-A. GRCh37 (hg19) VCF-style: chr3-70014846-C-A.
Other names: c.*447C>A (NM_001354607.2, NM_001354608.2, NM_006722.3 and 8 more transcripts).
Identifiers: ClinVar variation 346513 (VCV000346513.5), dbSNP rs546175299, ClinGen allele CA10616575.